The following is an entry in ClinVar:

ClinVar aggregate classification (germline): Uncertain significance (1 of 4 stars; one submission).

Submission:

Women's Health and Genetics/Laboratory Corporation of America, LabCorp
Classification: Uncertain significance. Last evaluated: 2023-07-21. Review status: criteria provided, single submitter. Criteria: LabCorp Variant Classification Summary - May 2015. Collection method: clinical testing. Allele origin: germline.
Comment: Variant summary: ZNF462 c.2496_2498dupAAA (p.Glu832_Asn833insLys) results in an in-frame insertion that is predicted to insert one amino acids into the encoded protein. The variant was absent in 251362 control chromosomes. The available data on variant occurrences in the general population are insufficient to allow any conclusion about variant significance. To our knowledge, no occurrence of c.2496_2498dupAAA in individuals affected with Weiss-Kruszka Syndrome and no experimental evidence demonstrating its impact on protein function have been reported. No submitters have cited clinical-significance assessments for this variant to ClinVar after 2014. Based on the evidence outlined above, the variant was classified as uncertain significance.

NM_021224.6(ZNF462):c.2496_2498dup (p.Glu832_Asn833insLys)

Gene: ZNF462 (zinc finger protein 462; plus strand). Cytogenetic location: 9q31.2.
Variant type: Duplication.
Coding change: c.2496_2498dup on transcript NM_021224.6 (MANE Select); coding-DNA positions 2496 to 2498, 3 bases duplicated (AAA; older notation c.2496_2498dupAAA).
Protein change: p.Glu832_Asn833insLys.
Molecular consequence: inframe insertion.
Genome position (GRCh38, 1-based): chr9:106,926,408-106,926,410, AAA duplicated; duplicating any 3 consecutive bases within chr9:106,926,407-106,926,410 gives the same sequence; the c. name uses the placement nearest the transcript's 3' end. VCF-style (leftmost placement, unchanged base first): chr9-106926406-G-GAAA. GRCh37 (hg19) VCF-style: chr9-109688687-G-GAAA.
Other names: c.2496_2498dup, p.Glu832_Asn833insLys (NM_001347997.2).
Identifiers: ClinVar variation 2577140 (VCV002577140.1), dbSNP rs2538755971, ClinGen allele CA2580616276.